The following is an entry in ClinVar:

ClinVar aggregate classification (germline): Uncertain significance. Review status: criteria provided, multiple submitters, no conflicts (2 of 4 stars). 3 submissions from 3 submitters: Uncertain significance (3). Last evaluated 2023-12-06.

Conditions:
Breast-ovarian cancer, familial, susceptibility to, 2 (BROVCA2). Also called: BRCA2 Hereditary Breast and Ovarian Cancer. Identifiers: Orphanet 145, MedGen C2675520, MONDO:0012933, OMIM 612555. Disease mechanism: loss of function.
Hereditary breast ovarian cancer syndrome. Also called: Hereditary breast and ovarian cancer syndrome; BRCA1- and BRCA2-Associated Hereditary Breast and Ovarian Cancer; Hereditary breast and/or ovarian cancer syndrome; Hereditary breast and ovarian cancer; Breast and ovarian cancer; Hereditary breast and ovarian cancer syndrome (HBOC). Identifiers: Orphanet 145, MedGen C0677776, MeSH D061325, MONDO:0003582. Disease mechanism: loss of function.

Submissions (3):

Labcorp Genetics (formerly Invitae), Labcorp
Classification: Uncertain significance for Hereditary breast ovarian cancer syndrome. Last evaluated: 2023-12-06. Review status: criteria provided, single submitter. Criteria: Invitae Variant Classification Sherloc (09022015). Collection method: clinical testing. Allele origin: germline.
Comment: This sequence change replaces aspartic acid, which is acidic and polar, with glycine, which is neutral and non-polar, at codon 3064 of the BRCA2 protein (p.Asp3064Gly). This variant is not present in population databases (gnomAD no frequency). This missense change has been observed in individual(s) with breast cancer (PMID: 30362333). ClinVar contains an entry for this variant (Variation ID: 420651). Advanced modeling of protein sequence and biophysical properties (such as structural, functional, and spatial information, amino acid conservation, physicochemical variation, residue mobility, and thermodynamic stability) performed at Invitae indicates that this missense variant is not expected to disrupt BRCA2 protein function with a negative predictive value of 95%. In summary, the available evidence is currently insufficient to determine the role of this variant in disease. Therefore, it has been classified as a Variant of Uncertain Significance.

All of Us Research Program, National Institutes of Health
Classification: Uncertain significance for Breast-ovarian cancer, familial, susceptibility to, 2. Last evaluated: 2023-05-08. Review status: criteria provided, single submitter. Criteria: ACMG Guidelines, 2015. Collection method: clinical testing. Allele origin: germline. Inheritance: Autosomal dominant inheritance. Observed: 1 variant allele, 1 heterozygote.
Comment: This study involves interpretation of variants in research participants for the purpose of population health screening. Participant phenotype was not available at the time of variant classification. Additional details can be found in publication PMID: 35346344, PMCID: PMC8962531

GeneDx
Classification: Uncertain significance. Last evaluated: 2016-11-30. Review status: criteria provided, single submitter. Criteria: GeneDx Variant Classification (06012015). Collection method: clinical testing. Allele origin: germline. Affected: yes.
Comment: This variant is denoted BRCA2 c.9191A>G at the cDNA level, p.Asp3064Gly (D3064G) at the protein level, and results in the change of an Aspartic Acid to a Glycine (GAC>GGC). Using alternate nomenclature, this variant would be defined as BRCA2 9419A>G. This variant has not, to our knowledge, been published in the literature as pathogenic or benign. BRCA2 Asp3064Gly was not observed in approximately 6,500 individuals of European and African American ancestry in the NHLBI Exome Sequencing Project, suggesting it is not a common benign variant in these populations. Since Aspartic Acid and Glycine differ in polarity, charge, size or other properties, this is considered a non-conservative amino acid substitution. BRCA2 Asp3064Gly occurs at a position that is not conserved and is located within the DNA binding domain (Yang 2002). In silico analyses are inconsistent regarding the effect this variant may have on protein structure or function. Based on currently available evidence, it is unclear whether BRCA2 Asp3064Gly is a pathogenic or benign variant. We consider it to be a variant of uncertain significance.

Literature cited by the submitters: PubMed 30362333 (cited by Labcorp Genetics (formerly Invitae), Labcorp).

NM_000059.4(BRCA2):c.9191A>G (p.Asp3064Gly)

Gene: BRCA2 (BRCA2 DNA repair associated; plus strand). Cytogenetic location: 13q13.1.
Variant type: single nucleotide variant.
Coding change: c.9191A>G on transcript NM_000059.4 (MANE Select); coding-DNA position 9191, A replaced by G.
Protein change: p.Asp3064Gly; replaces aspartic acid 3064 with glycine.
Molecular consequence: missense variant.
Genome position (GRCh38, 1-based): chr13:32,380,080, A>G. VCF-style: chr13-32380080-A-G. GRCh37 (hg19) VCF-style: chr13-32954217-A-G.
Other names: short protein forms D3064G.
Identifiers: ClinVar variation 420651 (VCV000420651.8), dbSNP rs1064794614, ClinGen allele CA16619788.